The following is an entry in ClinVar:

ClinVar aggregate classification (germline): Uncertain significance. Review status: criteria provided, multiple submitters, no conflicts (2 of 4 stars). 3 submissions from 3 submitters: Uncertain significance (3). Last evaluated 2025-07-02.

Conditions:
Cardiovascular phenotype. Identifiers: MedGen CN230736.

Allele frequency attached by ClinVar (database versions not stated): ExAC 0.00002; TOPMed 0.00002; gnomAD 0.00003; gnomAD exomes 0.00004.

Submissions (3):

Ambry Genetics
Classification: Uncertain significance for Cardiovascular phenotype. Last evaluated: 2025-07-02. Review status: criteria provided, single submitter. Criteria: Ambry Variant Classification Scheme 2023. Collection method: clinical testing. Allele origin: germline.

Women's Health and Genetics/Laboratory Corporation of America, LabCorp
Classification: Uncertain significance. Last evaluated: 2025-05-28. Review status: criteria provided, single submitter. Criteria: LabCorp Variant Classification Summary - May 2015. Collection method: clinical testing. Allele origin: germline.
Comment: Variant summary: TNXB c.8999A>G (p.Glu3000Gly) results in a non-conservative amino acid change in the encoded protein sequence. Algorithms developed to predict the effect of missense changes on protein structure and function are either unavailable or do not agree on the potential impact of this missense change. The variant allele was found at a frequency of 2.8e-05 in 246274 control chromosomes (gnomAD). The available data on variant occurrences in the general population are insufficient to allow any conclusion about variant significance. To our knowledge, no occurrence of c.8999A>G in individuals affected with Ehlers-Danlos syndrome due to tenascin-X deficiency and no experimental evidence demonstrating its impact on protein function have been reported. ClinVar contains an entry for this variant (Variation ID: 1765371). Based on the evidence outlined above, the variant was classified as uncertain significance.

GeneDx
Classification: Uncertain significance. Last evaluated: 2024-09-10. Review status: criteria provided, single submitter. Criteria: GeneDx Variant Classification Process June 2021. Collection method: clinical testing. Allele origin: germline. Affected: yes.
Comment: In silico analysis supports that this missense variant has a deleterious effect on protein structure/function; Has not been previously published as pathogenic or benign to our knowledge

NM_001365276.2(TNXB):c.9005A>G (p.Glu3002Gly)

Gene: TNXB (tenascin XB; minus strand). Cytogenetic location: 6p21.33.
Variant type: single nucleotide variant.
Coding change: c.9005A>G on transcript NM_001365276.2 (MANE Select); coding-DNA position 9005, A replaced by G.
Protein change: p.Glu3002Gly; replaces glutamic acid 3002 with glycine.
Molecular consequence: missense variant.
Genome position (GRCh38, 1-based): chr6:32,052,780, T>C on the plus strand (A>G on the coding strand, the complement: TNXB is on the minus strand). VCF-style: chr6-32052780-T-C. GRCh37 (hg19) VCF-style: chr6-32020557-T-C.
Other names: c.8999A>G, p.Glu3000Gly (NM_019105.8); short protein forms E3000G, E3002G.
Identifiers: ClinVar variation 1765371 (VCV001765371.6), dbSNP rs758387775, ClinGen allele CA3733681.
Genomic context (GRCh38, chr6:32,052,780, plus strand): 5'-CCGTACAGGTGCATCTTGTATTTGCACCCGGGCTCCAGGCCCCCCACGGTGACCTCGCTC[T>C]CCTCGCCCCTGACACGCACCACCTGGGGCCGCCCGTCCCTGTCCTTGTACTGCACAGTGA-3'
Protein context (NP_001352205.1, residues 2992-3012): RPQVVRVRGE[Glu3002Gly]SEVTVGGLEP